The following is an entry in ClinVar:

NM_006662.3(SRCAP):c.9568C>T (p.Arg3190Cys)

Gene: SRCAP (Snf2 related CREBBP activator protein; plus strand). Cytogenetic location: 16p11.2.
Variant type: single nucleotide variant.
Coding change: c.9568C>T on transcript NM_006662.3 (MANE Select); coding-DNA position 9568, C replaced by T.
Protein change: p.Arg3190Cys; replaces arginine 3190 with cysteine.
Molecular consequence: missense variant.
Genome position (GRCh38, 1-based): chr16:30,739,608, C>T. VCF-style: chr16-30739608-C-T. GRCh37 (hg19) VCF-style: chr16-30750929-C-T.
Other names: c.9568C>T (NM_006662.2); short protein forms R3190C.
Identifiers: ClinVar variation 2151127 (VCV002151127.5), dbSNP rs1311538053, ClinGen allele CA395645125.

ClinVar aggregate classification (germline): Uncertain significance. Review status: criteria provided, multiple submitters, no conflicts (2 of 4 stars). 2 submissions from 2 submitters: Uncertain significance (2). Last evaluated 2024-12-07.

Conditions:
Inborn genetic diseases. Identifiers: MedGen C0950123, MeSH D030342.

Allele frequency attached by ClinVar (database versions not stated): gnomAD exomes 0.00002; TOPMed 0.00005; gnomAD 0.00006.
gnomAD v4.1: 34 of 1,593,718 alleles (0.0021%); highest among the groups gnomAD compares: Admixed American, 0.011%; no homozygotes.

Submissions (2):

Ambry Genetics
Classification: Uncertain significance for Inborn genetic diseases. Last evaluated: 2024-12-07. Review status: criteria provided, single submitter. Criteria: Ambry Variant Classification Scheme 2023. Collection method: clinical testing. Allele origin: germline.

Labcorp Genetics (formerly Invitae), Labcorp
Classification: Uncertain significance. Last evaluated: 2024-07-20. Review status: criteria provided, single submitter. Criteria: Invitae Variant Classification Sherloc (09022015). Collection method: clinical testing. Allele origin: germline.
Comment: This sequence change replaces arginine, which is basic and polar, with cysteine, which is neutral and slightly polar, at codon 3190 of the SRCAP protein (p.Arg3190Cys). The frequency data for this variant in the population databases is considered unreliable, as metrics indicate poor data quality at this position in the gnomAD database. This variant has not been reported in the literature in individuals affected with SRCAP-related conditions. ClinVar contains an entry for this variant (Variation ID: 2151127). Advanced modeling of protein sequence and biophysical properties (such as structural, functional, and spatial information, amino acid conservation, physicochemical variation, residue mobility, and thermodynamic stability) performed at Invitae indicates that this missense variant is not expected to disrupt SRCAP protein function with a negative predictive value of 80%. In summary, the available evidence is currently insufficient to determine the role of this variant in disease. Therefore, it has been classified as a Variant of Uncertain Significance.